The following is an entry in ClinVar:

NM_003036.4(SKI):c.1274C>T (p.Ala425Val)

Gene: SKI (SKI proto-oncogene; plus strand). Cytogenetic location: 1p36.32.
Variant type: single nucleotide variant.
Coding change: c.1274C>T on transcript NM_003036.4 (MANE Select); coding-DNA position 1274, C replaced by T.
Protein change: p.Ala425Val; replaces alanine 425 with valine.
Molecular consequence: missense variant.
Genome position (GRCh38, 1-based): chr1:2,303,902, C>T. VCF-style: chr1-2303902-C-T. GRCh37 (hg19) VCF-style: chr1-2235341-C-T.
Other names: short protein forms A425V.
Identifiers: ClinVar variation 3162608 (VCV003162608.4), dbSNP rs199997665, ClinGen allele CA536657.

ClinVar aggregate classification (germline): Conflicting classifications of pathogenicity. Review status: criteria provided, conflicting classifications (1 of 4 stars). 3 submissions from 3 submitters: Uncertain significance (2); Likely benign (1). Last evaluated 2025-10-16.

Conditions:
Familial thoracic aortic aneurysm and aortic dissection (TAAD). Also called: Thoracic aortic aneurysms and dissections. Identifiers: Orphanet 91387, MedGen C4707243, MONDO:0019625.
Shprintzen-Goldberg syndrome (SGS). Also called: SHPRINTZEN-GOLDBERG CRANIOSYNOSTOSIS SYNDROME; CRANIOSYNOSTOSIS WITH ARACHNODACTYLY AND ABDOMINAL HERNIAS; Marfanoid disorder with craniosynostosis type 1; Marfanoid craniosynostosis syndrome; Shprintzen-Goldberg marfanoid syndrome. Identifiers: Orphanet 2462, MedGen C1321551, MONDO:0008426, OMIM 182212.

Allele frequency attached by ClinVar (database versions not stated): gnomAD exomes 0.00001; ExAC 0.00005; TOPMed 0.00006; gnomAD 0.00007; 1000 Genomes Project 30x 0.00078; 1000 Genomes Project 0.00060.
gnomAD v4.1: 22 of 1,612,328 alleles (0.0014%); highest among the groups gnomAD compares: African/African-American, 0.024%; no homozygotes.

Submissions (3):

Labcorp Genetics (formerly Invitae), Labcorp
Classification: Likely benign for Shprintzen-Goldberg syndrome. Last evaluated: 2025-10-16. Review status: criteria provided, single submitter. Criteria: Invitae Variant Classification Sherloc (09022015). Collection method: clinical testing. Allele origin: germline.

ARUP Laboratories, Molecular Genetics and Genomics, ARUP Laboratories
Classification: Uncertain significance for Shprintzen-Goldberg syndrome. Last evaluated: 2025-06-16. Review status: criteria provided, single submitter. Criteria: ARUP Molecular Germline Variant Investigation Process 2024. Collection method: clinical testing. Allele origin: germline.
Comment: The SKI c.1274C>T; p.Ala425Val variant (rs199997665), to our knowledge, is not reported in the medical literature but is reported in ClinVar (Variation ID: 3162608). This variant is found in the African population with an allele frequency of 0.03% (7/23,346 alleles) in the Genome Aggregation Database (v2.1.1). Computational analyses are uncertain whether this variant is neutral or deleterious (REVEL: 0.188). Due to limited information, the clinical significance of this variant is uncertain at this time.

Ambry Genetics
Classification: Uncertain significance for Familial thoracic aortic aneurysm and aortic dissection. Last evaluated: 2024-01-24. Review status: criteria provided, single submitter. Criteria: Ambry Variant Classification Scheme 2023. Collection method: clinical testing. Allele origin: germline.